The following is an entry in ClinVar:

NM_013275.6(ANKRD11):c.4975C>T (p.Pro1659Ser)

Gene: ANKRD11 (ankyrin repeat domain 11; minus strand). Cytogenetic location: 16q24.3.
Variant type: single nucleotide variant.
Coding change: c.4975C>T on transcript NM_013275.6 (MANE Select); coding-DNA position 4975, C replaced by T.
Protein change: p.Pro1659Ser; replaces proline 1659 with serine.
Molecular consequence: missense variant.
Genome position (GRCh38, 1-based): chr16:89,281,567, G>A on the plus strand (C>T on the coding strand, the complement: ANKRD11 is on the minus strand). VCF-style: chr16-89281567-G-A. GRCh37 (hg19) VCF-style: chr16-89347975-G-A.
Other names: c.4975C>T, p.Pro1659Ser (NM_001256182.2, NM_001256183.2); short protein forms P1659S.
Identifiers: ClinVar variation 3239478 (VCV003239478.19), dbSNP rs376431701.

ClinVar aggregate classification (germline): Uncertain significance (1 of 4 stars; one submission).

Allele frequency attached by ClinVar (database versions not stated): gnomAD exomes below 0.00001; ExAC 0.00001; gnomAD 0.00001; ESP Exome Variant Server 0.00008.
gnomAD v4.1: 4 of 1,614,082 alleles (0.00025%); highest among the groups gnomAD compares: South Asian, 0.0011%; no homozygotes.

Submission:

CeGaT Center for Human Genetics Tuebingen
Classification: Uncertain significance. Last evaluated: 2024-05-01. Review status: criteria provided, single submitter. Criteria: CeGaT Center For Human Genetics Tuebingen Variant Classification Criteria Version 2. Collection method: clinical testing. Allele origin: germline. Affected: yes. Observed: 1 variant allele.
Comment: ANKRD11: PM2, BP4